The following is an entry in ClinVar:

NM_006593.4(TBR1):c.1174C>T (p.Arg392Trp)

Gene: TBR1 (T-box brain transcription factor 1; plus strand). Cytogenetic location: 2q24.2.
Variant type: single nucleotide variant.
Coding change: c.1174C>T on transcript NM_006593.4 (MANE Select); coding-DNA position 1174, C replaced by T.
Protein change: p.Arg392Trp; replaces arginine 392 with tryptophan.
Molecular consequence: missense variant.
Genome position (GRCh38, 1-based): chr2:161,420,241, C>T. VCF-style: chr2-161420241-C-T. GRCh37 (hg19) VCF-style: chr2-162276752-C-T.
Other names: short protein forms R392W.
Identifiers: ClinVar variation 1064798 (VCV001064798.2), dbSNP rs2105280472, ClinGen allele CA349213135.

ClinVar aggregate classification (germline): Pathogenic/Likely pathogenic. Review status: criteria provided, multiple submitters, no conflicts (2 of 4 stars). 2 submissions from 2 submitters: Pathogenic (1); Likely pathogenic (1). Last evaluated 2024-10-09.

Conditions:
Intellectual developmental disorder with autism and speech delay. Also called: AUTISM-RELATED SPEECH DELAY; PHRASE SPEECH DELAY, AUTISM-RELATED; Autism 5; AUTS5; Autism, susceptibility to, 5. Identifiers: MedGen C1853755, MONDO:0011627, OMIM 606053.
Neurodevelopmental disorder. Identifiers: MedGen C1535926, MeSH D065886, MONDO:0700092.

Submissions (2):

Victorian Clinical Genetics Services, Murdoch Childrens Research Institute
Classification: Pathogenic for Intellectual developmental disorder with autism and speech delay. Last evaluated: 2024-10-09. Review status: criteria provided, single submitter. Criteria: ACMG Guidelines, 2015. Collection method: clinical testing. Allele origin: germline. Inheritance: Autosomal dominant inheritance. Affected: yes.
Comment: Based on the classification scheme VCGS_Germline_v1.3.4, this variant is classified as Pathogenic. Following criteria are met: 0102 - Loss of function is a known mechanism of disease in this gene and is associated with intellectual developmental disorder with autism and speech delay (MIM#606053). Dominant negative has also been suggested as a mechanism of disease for missense variants (PMID: 25232744). (I) 0107 - This gene is associated with autosomal dominant disease. (I) 0200 - Variant is predicted to result in a missense amino acid change from arginine to tryptophan. (I) 0251 - This variant is heterozygous. (I) 0301 - Variant is absent from gnomAD (both v2 and v3). (SP) 0501 - Missense variant consistently predicted to be damaging by multiple in silico tools or highly conserved with a major amino acid change. (SP) 0603 - Missense variant in a region that is highly intolerant to missense variation (high constraint region in DECIPHER). (SP) 0708 - Another missense variant comparable to the one identified in this case has conflicting previous evidence for pathogenicity. p.(Arg392Gln) has been reported once as a VUS; however, no evidence was provided (ClinVar). It has also been reported once as likely pathogenic in an individual with abnormality of the nervous system (DECIPHER). p.(Arg392Leu) has been reported in the literature in an individual with intellectual disability. In this family, the variant was paternally inherited and it is unclear whether the father was affected (PMID: 33004838). (I) 0803 - This variant has limited previous evidence of pathogenicity in unrelated individuals. This variant has been classified as likely pathogenic once (ClinVar) and has been reported in the literature de novo in an individual with autism spectrum disorder (PMID: 33004838). (SP) 1007 - No published functional evidence has been identified for this variant. (SP) Legend: (SP) - Supporting pathogenic, (I) - Information, (SB) - Supporting benign

Laboratory of Molecular Genetics (Pr. Bezieau's lab), CHU de Nantes
Classification: Likely pathogenic for Neurodevelopmental disorder. Last evaluated: 2020-11-16. Review status: criteria provided, single submitter. Criteria: ACMG Guidelines, 2015. Collection method: clinical testing. Allele origin: germline. Affected: yes.

Literature cited by the submitters: PubMed 25232744 (cited by Victorian Clinical Genetics Services, Murdoch Childrens Research Institute); PubMed 33004838 (cited by Victorian Clinical Genetics Services, Murdoch Childrens Research Institute).